The following is an entry in ClinVar:

NM_133497.4(KCNV2):c.625G>T (p.Glu209Ter)

Gene: KCNV2 (potassium voltage-gated channel modifier subfamily V member 2; plus strand). Cytogenetic location: 9p24.2.
Variant type: single nucleotide variant.
Coding change: c.625G>T on transcript NM_133497.4 (MANE Select); coding-DNA position 625, G replaced by T.
Protein change: p.Glu209Ter; replaces glutamic acid 209 with a stop codon.
Molecular consequence: nonsense.
Genome position (GRCh38, 1-based): chr9:2,718,364, G>T. VCF-style: chr9-2718364-G-T. GRCh37 (hg19) VCF-style: chr9-2718364-G-T.
Other names: short protein forms E209*.
Identifiers: ClinVar variation 1936062 (VCV001936062.7), dbSNP rs200148749, ClinGen allele CA4965543.

ClinVar aggregate classification (germline): Pathogenic. Review status: criteria provided, multiple submitters, no conflicts (2 of 4 stars). 3 submissions from 3 submitters: Pathogenic (3). Last evaluated 2025-09-02.

Conditions:
Cone dystrophy with supernormal rod response (CDSRR). Also called: CONE DYSTROPHY WITH SUPERNORMAL ROD RESPONSES. Identifiers: Orphanet 209932, MedGen C1835897, MONDO:0012475, OMIM 610356.
KCNV2-related disorder. Also called: KCNV2-related condition.

gnomAD v4.1: 4 of 1,599,036 alleles (0.00025%); highest among the groups gnomAD compares: African/African-American, 0.0013%; no homozygotes.

Submissions (3):

Labcorp Genetics (formerly Invitae), Labcorp
Classification: Pathogenic. Last evaluated: 2025-09-02. Review status: criteria provided, single submitter. Criteria: Invitae Variant Classification Sherloc (09022015). Collection method: clinical testing. Allele origin: germline.
Comment: This sequence change creates a premature translational stop signal (p.Glu209*) in the KCNV2 gene. It is expected to result in an absent or disrupted protein product. Loss-of-function variants in KCNV2 are known to be pathogenic (PMID: 16909397, 18235024). The frequency data for this variant in the population databases is considered unreliable, as metrics indicate poor data quality at this position in the gnomAD database. This variant has not been reported in the literature in individuals affected with KCNV2-related conditions. ClinVar contains an entry for this variant (Variation ID: 1936062). For these reasons, this variant has been classified as Pathogenic.

Department of Pathology and Laboratory Medicine, Sinai Health System
Classification: Pathogenic for Cone dystrophy with supernormal rod response. Last evaluated: 2023-08-29. Review status: criteria provided, single submitter. Criteria: ACMG Guidelines, 2015. Collection method: research. Allele origin: germline.

Blueprint Genetics
Classification: Pathogenic for KCNV2-related disorders. Last evaluated: 2021-05-25. Review status: criteria provided, single submitter. Criteria: ACMG Guidelines, 2015. Collection method: clinical testing. Allele origin: germline. Affected: yes. Observed: 3 variant alleles.

Literature cited by the submitters: PubMed 16909397 (cited by Labcorp Genetics (formerly Invitae), Labcorp); PubMed 18235024 (cited by Labcorp Genetics (formerly Invitae), Labcorp).